The following is an entry in ClinVar:

NM_144499.3(GNAT1):c.292-37C>T

Gene: GNAT1 (G protein subunit alpha transducin 1; plus strand). Cytogenetic location: 3p21.31.
Variant type: single nucleotide variant.
Coding change: c.292-37C>T on transcript NM_144499.3 (MANE Select); 37 bases into the intron before coding-DNA position 292, C replaced by T.
Molecular consequence: intron variant.
Genome position (GRCh38, 1-based): chr3:50,193,469, C>T. VCF-style: chr3-50193469-C-T. GRCh37 (hg19) VCF-style: chr3-50230902-C-T.
Other names: c.292-37C>T (NM_000172.4).
Identifiers: ClinVar variation 1706760 (VCV001706760.2), dbSNP rs201305115, ClinGen allele CA2412511.

ClinVar aggregate classification (germline): Likely benign (1 of 4 stars; one submission).

Allele frequency attached by ClinVar (database versions not stated): 1000 Genomes Project 0.00799; 1000 Genomes Project 30x 0.00859; TOPMed 0.01467; gnomAD 0.01488; ESP Exome Variant Server 0.01555; ExAC 0.01780.
gnomAD v4.1: 34,150 of 1,605,810 alleles (2.1%); highest among the groups gnomAD compares: Non-Finnish European, 2.6%; 437 homozygotes.

Submission:

GeneDx
Classification: Likely benign. Last evaluated: 2018-11-05. Review status: criteria provided, single submitter. Criteria: GeneDx Variant Classification Process June 2021. Collection method: clinical testing. Allele origin: germline. Affected: yes.
Comment: See Variant Classification Assertion Criteria.